The following is an entry in ClinVar:

NM_000393.5(COL5A2):c.1301C>T (p.Thr434Met)

Gene: COL5A2 (collagen type V alpha 2 chain; minus strand). Cytogenetic location: 2q32.2.
Variant type: single nucleotide variant.
Coding change: c.1301C>T on transcript NM_000393.5 (MANE Select); coding-DNA position 1301, C replaced by T.
Protein change: p.Thr434Met; replaces threonine 434 with methionine.
Molecular consequence: missense variant.
Genome position (GRCh38, 1-based): chr2:189,068,227, G>A on the plus strand (C>T on the coding strand, the complement: COL5A2 is on the minus strand). VCF-style: chr2-189068227-G-A. GRCh37 (hg19) VCF-style: chr2-189932953-G-A.
Other names: p.T434M:ACG>ATG; c.1301C>T (NM_000393.4); short protein forms T434M.
Identifiers: ClinVar variation 212979 (VCV000212979.61), dbSNP rs145850743, ClinGen allele CA320940.

ClinVar aggregate classification (germline): Benign/Likely benign. Review status: criteria provided, multiple submitters, no conflicts (2 of 4 stars). 15 submissions from 15 submitters: Benign (7); Likely benign (6). 2 of the submissions do not count toward it. Last evaluated 2026-03-01.

Conditions:
Ehlers-Danlos syndrome, classic type, 1 (EDSCL1). Also called: EHLERS-DANLOS SYNDROME, GRAVIS TYPE; EHLERS-DANLOS SYNDROME, SEVERE CLASSIC TYPE; Ehlers-Danlos syndrome, type 1; Ehlers-Danlos Syndrome, Classic Type, COL5A1-Related; EDS I. Identifiers: MedGen C0268335, MONDO:0019567, OMIM 130000.
Ehlers-Danlos syndrome, classic type, 2 (EDSCL2). Also called: Ehlers-Danlos syndrome type 2 (formerly); Ehlers-Danlos syndrome, type 2; Ehlers-Danlos Syndrome, Classic Type, COL5A2-Related. Identifiers: Orphanet 287, Orphanet 90318, MedGen C0268336, MONDO:0019568, OMIM 130010.
Connective tissue disorder. Also called: Connective tissue disease. Identifiers: MedGen C0009782, MONDO:0003900.
Ehlers-Danlos syndrome (EDS). Identifiers: Orphanet 98249, MedGen C0013720, MONDO:0020066.
Familial thoracic aortic aneurysm and aortic dissection (TAAD). Also called: Thoracic aortic aneurysms and dissections. Identifiers: Orphanet 91387, MedGen C4707243, MONDO:0019625.

Allele frequency attached by ClinVar (database versions not stated): 1000 Genomes Project 0.00040; 1000 Genomes Project 30x 0.00047; gnomAD 0.00109 and 0.00118; TOPMed 0.00127; ExAC 0.00180; ESP Exome Variant Server 0.00185; gnomAD exomes 0.00188.
gnomAD v4.1: 1,873 of 1,613,660 alleles (0.12%); highest among the groups gnomAD compares: Middle Eastern, 0.21%; 22 homozygotes.

Submissions (15):

CeGaT Center for Human Genetics Tuebingen
Classification: Benign. Last evaluated: 2026-03-01. Review status: criteria provided, single submitter. Criteria: CeGaT Center For Human Genetics Tuebingen Variant Classification Criteria Version 2. Collection method: clinical testing. Allele origin: germline. Affected: yes. Observed: 3 variant alleles.
Comment: COL5A2: BS1, BS2

Labcorp Genetics (formerly Invitae), Labcorp
Classification: Likely benign for Ehlers-Danlos syndrome, classic type, 1. Last evaluated: 2026-01-30. Review status: criteria provided, single submitter. Criteria: Invitae Variant Classification Sherloc (09022015). Collection method: clinical testing. Allele origin: germline.

Molecular Diagnostic Laboratory for Inherited Cardiovascular Disease, Montreal Heart Institute
Classification: Likely benign. Last evaluated: 2025-07-24. Review status: criteria provided, single submitter. Criteria: ACMG Guidelines, 2015. Collection method: clinical testing. Allele origin: germline. Affected: no.
Comment: BS1;BP4

Mayo Clinic Laboratories, Mayo Clinic
Classification: Benign. Last evaluated: 2025-02-03. Review status: criteria provided, single submitter. Criteria: ACMG Guidelines, 2015. Collection method: clinical testing. Allele origin: germline. Observed: 12 variant alleles.
Comment: BS1, BS2, BP4

Women's Health and Genetics/Laboratory Corporation of America, LabCorp
Classification: Likely benign. Last evaluated: 2023-07-21. Review status: criteria provided, single submitter. Criteria: LabCorp Variant Classification Summary - May 2015. Collection method: clinical testing. Allele origin: germline.

Genome Diagnostics Laboratory, The Hospital for Sick Children
Classification: Benign for Ehlers-Danlos syndrome. Last evaluated: 2021-09-28. Review status: criteria provided, single submitter. Criteria: ACMG Guidelines, 2015. Collection method: clinical testing. Allele origin: germline.

GeneDx
Classification: Benign. Last evaluated: 2019-06-05. Review status: criteria provided, single submitter. Criteria: GeneDx Variant Classification Process June 2021. Collection method: clinical testing. Allele origin: germline. Affected: yes.

Illumina Laboratory Services, Illumina
Classification: Benign for Ehlers-Danlos syndrome, classic type, 2. Last evaluated: 2018-01-12. Review status: criteria provided, single submitter. Criteria: ICSL Variant Classification Criteria 13 December 2019. Collection method: clinical testing. Allele origin: germline.
Comment: This variant was observed in the ICSL laboratory as part of a predisposition screen in an ostensibly healthy population. It had not been previously curated by ICSL or reported in the Human Gene Mutation Database (HGMD: prior to June 1st, 2018), and was therefore a candidate for classification through an automated scoring system. Utilizing variant allele frequency, disease prevalence and penetrance estimates, and inheritance mode, an automated score was calculated to assess if this variant is too frequent to cause the disease. Based on the score and internal cut-off values, a variant classified as benign is not then subjected to further curation. The score for this variant resulted in a classification of benign for this disease.

Ambry Genetics
Classification: Benign for Familial thoracic aortic aneurysm and aortic dissection. Last evaluated: 2017-11-15. Review status: criteria provided, single submitter. Criteria: Ambry Variant Classification Scheme 2023. Collection method: clinical testing. Allele origin: germline.

ARUP Laboratories, Molecular Genetics and Genomics, ARUP Laboratories
Classification: Benign. Last evaluated: 2017-07-11. Review status: criteria provided, single submitter. Criteria: ARUP Molecular Germline Variant Investigation Process. Collection method: clinical testing. Allele origin: germline.

Center for Pediatric Genomic Medicine, Children's Mercy Hospital and Clinics
Classification: Likely benign. Last evaluated: 2017-05-31. Review status: criteria provided, single submitter. Criteria: ACMG Guidelines, 2015. Collection method: clinical testing. Allele origin: germline.

Center for Human Genetics, Inc
Classification: Likely benign for Connective tissue disorder. Last evaluated: 2016-11-01. Review status: criteria provided, single submitter. Criteria: ACMG Guidelines, 2015. Collection method: clinical testing. Allele origin: germline. Affected: yes.

Breakthrough Genomics
Classification: Likely benign. Review status: criteria provided, single submitter. Criteria: ACMG Guidelines, 2015. Collection method: not provided. Allele origin: germline. Inheritance: Autosomal dominant inheritance. Affected: yes.

Clinical Genetics DNA and cytogenetics Diagnostics Lab, Erasmus MC, Erasmus Medical Center
Classification: Likely benign. Review status: no assertion criteria provided. Collection method: clinical testing. Allele origin: germline. Affected: yes. Study: VKGL Data-share Consensus. Not counted in ClinVar's aggregate classification.

Genome Diagnostics Laboratory, University Medical Center Utrecht
Classification: Likely benign. Review status: no assertion criteria provided. Collection method: clinical testing. Allele origin: germline. Affected: yes. Study: VKGL Data-share Consensus. Not counted in ClinVar's aggregate classification.

Literature cited by the submitters: PubMed 33726816 (cited by Mayo Clinic Laboratories, Mayo Clinic).